The following is an entry in ClinVar:

NM_004991.4(MECOM):c.428A>G (p.Asp143Gly)

Gene: MECOM (MDS1 and EVI1 complex locus; minus strand). Cytogenetic location: 3q26.2.
Variant type: single nucleotide variant.
Coding change: c.428A>G on transcript NM_004991.4 (MANE Select); coding-DNA position 428, A replaced by G.
Protein change: p.Asp143Gly; replaces aspartic acid 143 with glycine.
Molecular consequence: missense variant. On other transcripts: 5 prime UTR variant (12).
Genome position (GRCh38, 1-based): chr3:169,143,780, T>C on the plus strand (A>G on the coding strand, the complement: MECOM is on the minus strand). VCF-style: chr3-169143780-T-C. GRCh37 (hg19) VCF-style: chr3-168861568-T-C.
Other names: c.56A>G, p.Asp19Gly (NM_001105077.4); c.-137A>G (NM_001105078.4, NM_001163999.2, NM_001164000.2 and 9 more transcripts); c.428A>G, p.Asp143Gly (NM_001366466.2, NM_001366473.2); short protein forms D143G, D19G.
Identifiers: ClinVar variation 3394331 (VCV003394331.1).
Genomic context (GRCh38, chr3:169,143,780, plus strand): 5'-ACAAGGTTGTGCTGATCATAACAGCCAGCGAATCTAATGTACTTGAGCCAGCTTCCAACA[T>C]CTGGTTGACTGGCATCTATGCAGAACTTCACATTGTAAAATTCGTCTAAGATCTGGAGGG-3'
Protein context (NP_004982.2, residues 133-153): VKFCIDASQP[Asp143Gly]VGSWLKYIRF

ClinVar aggregate classification (germline): Uncertain significance (1 of 4 stars; one submission).

Conditions:
Inborn genetic diseases. Identifiers: MedGen C0950123, MeSH D030342.

gnomAD v4.1: 10 of 1,611,950 alleles (0.00062%); highest among the groups gnomAD compares: Non-Finnish European, 0.00076%; no homozygotes.

Submission:

Ambry Genetics
Classification: Uncertain significance for Inborn genetic diseases. Last evaluated: 2024-11-27. Review status: criteria provided, single submitter. Criteria: Ambry Variant Classification Scheme 2023. Collection method: clinical testing. Allele origin: germline.
Comment: The p.D143G variant (also known as c.428A>G), located in coding exon 3 of the MECOM gene, results from an A to G substitution at nucleotide position 428. The aspartic acid at codon 143 is replaced by glycine, an amino acid with similar properties. This amino acid position is conserved. In addition, this alteration is predicted to be tolerated by in silico analysis. Based on the available evidence, the clinical significance of this variant remains unclear.